The following is an entry in ClinVar:

ClinVar aggregate classification (germline): Uncertain significance (1 of 4 stars; one submission).

gnomAD v4.1: 86 of 1,610,892 alleles (0.0053%); highest among the groups gnomAD compares: Non-Finnish European, 0.0064%; no homozygotes.

Submission:

Mayo Clinic Laboratories, Mayo Clinic
Classification: Uncertain significance. Last evaluated: 2023-08-17. Review status: criteria provided, single submitter. Criteria: ACMG Guidelines, 2015. Collection method: clinical testing. Allele origin: germline. Observed: 1 variant allele.
Comment: PM2_moderate

NM_002226.5(JAG2):c.2581C>G (p.Arg861Gly)

Gene: JAG2 (jagged canonical Notch ligand 2; minus strand). Cytogenetic location: 14q32.33.
Variant type: single nucleotide variant.
Coding change: c.2581C>G on transcript NM_002226.5 (MANE Select); coding-DNA position 2581, C replaced by G.
Protein change: p.Arg861Gly; replaces arginine 861 with glycine.
Molecular consequence: missense variant.
Genome position (GRCh38, 1-based): chr14:105,146,623, G>C on the plus strand (C>G on the coding strand, the complement: JAG2 is on the minus strand). VCF-style: chr14-105146623-G-C. GRCh37 (hg19) VCF-style: chr14-105612960-G-C.
Other names: p.Arg861Gly; c.2467C>G, p.Arg823Gly (NM_145159.3); short protein forms R823G, R861G.
Identifiers: ClinVar variation 3380248 (VCV003380248.1).
Genomic context (GRCh38, chr14:105,146,623, plus strand): 5'-CCATGCCCCCCAACCCGCCCCAACCCAGGGCAATCACACGGGGCCTACCTTCCTGGCACC[G>C]GGGGCCGGCTCGGCCGGGTGGGCAGCTACAGCGATACCCGTTGATCTCATCCACACACGT-3'
Protein context (NP_002217.3, residues 851-871): CSCPPGRAGP[Arg861Gly]CQEVIGFGRS